The following is an entry in ClinVar:

ClinVar aggregate classification (germline): Uncertain significance (1 of 4 stars; one submission).

Conditions:
Isovaleryl-CoA dehydrogenase deficiency (IVA). Also called: ISOVALERIC ACID CoA DEHYDROGENASE DEFICIENCY; Isovaleric acidemia; IVD DEFICIENCY; Classic Isovaleric Acidemia. Identifiers: Orphanet 33, MedGen C0268575, MONDO:0009475, OMIM 243500.

Submission:

Labcorp Genetics (formerly Invitae), Labcorp
Classification: Uncertain significance for Isovaleryl-CoA dehydrogenase deficiency. Last evaluated: 2024-02-24. Review status: criteria provided, single submitter. Criteria: Invitae Variant Classification Sherloc (09022015). Collection method: clinical testing. Allele origin: germline.
Comment: This sequence change replaces alanine, which is neutral and non-polar, with valine, which is neutral and non-polar, at codon 217 of the IVD protein (p.Ala217Val). This variant is not present in population databases (gnomAD no frequency). This variant has not been reported in the literature in individuals affected with IVD-related conditions. ClinVar contains an entry for this variant (Variation ID: 2047862). An algorithm developed to predict the effect of missense changes on protein structure and function (PolyPhen-2) suggests that this variant is likely to be tolerated. In summary, the available evidence is currently insufficient to determine the role of this variant in disease. Therefore, it has been classified as a Variant of Uncertain Significance.

NM_002225.5(IVD):c.641C>T (p.Ala214Val)

Gene: IVD (isovaleryl-CoA dehydrogenase; plus strand). Cytogenetic location: 15q15.1.
Variant type: single nucleotide variant.
Coding change: c.641C>T on transcript NM_002225.5 (MANE Select); coding-DNA position 641, C replaced by T.
Protein change: p.Ala214Val; replaces alanine 214 with valine.
Molecular consequence: missense variant. On other transcripts: non-coding transcript variant (1).
Genome position (GRCh38, 1-based): chr15:40,411,645, C>T. VCF-style: chr15-40411645-C-T. GRCh37 (hg19) VCF-style: chr15-40703844-C-T.
Other names: c.551C>T, p.Ala184Val (NM_001159508.3); c.593C>T, p.Ala198Val (NM_001354597.3); c.641C>T, p.Ala214Val (NM_001354598.3, NM_001354601.3); c.728C>T, p.Ala243Val (NM_001354599.3, NM_001354600.3); short protein forms A198V, A184V, A214V, A243V.
Identifiers: ClinVar variation 2047862 (VCV002047862.4), dbSNP rs1891098989, ClinGen allele CA391717821.